The following is an entry in ClinVar:

ClinVar aggregate classification (germline): Likely benign. Review status: criteria provided, multiple submitters, no conflicts (2 of 4 stars). 10 submissions from 10 submitters: Likely benign (7). 3 of the submissions do not count toward it. Last evaluated 2025-08-19.

Conditions:
Hereditary cancer-predisposing syndrome. Also called: Tumor predisposition; Hereditary neoplastic syndrome; Hereditary Cancer Syndrome; Neoplastic Syndromes, Hereditary. Identifiers: Orphanet 140162, MedGen C0027672, MeSH D009386, MONDO:0015356.
Hereditary breast ovarian cancer syndrome. Also called: Hereditary breast and/or ovarian cancer syndrome; Breast and ovarian cancer; Hereditary breast and ovarian cancer syndrome; Hereditary breast and ovarian cancer; Hereditary breast and ovarian cancer syndrome (HBOC); BRCA1- and BRCA2-Associated Hereditary Breast and Ovarian Cancer. Identifiers: Orphanet 145, MedGen C0677776, MeSH D061325, MONDO:0003582. Disease mechanism: loss of function.
Breast-ovarian cancer, familial, susceptibility to, 1 (BROVCA1). Also called: BRCA1 Hereditary Breast and Ovarian Cancer; OVARIAN CANCER, SUSCEPTIBILITY TO. Identifiers: Orphanet 145, MedGen C2676676, MONDO:0011450, OMIM 604370. Disease mechanism: loss of function.

Submissions (10):

Labcorp Genetics (formerly Invitae), Labcorp
Classification: Likely benign for Hereditary breast ovarian cancer syndrome. Last evaluated: 2025-08-19. Review status: criteria provided, single submitter. Criteria: Invitae Variant Classification Sherloc (09022015). Collection method: clinical testing. Allele origin: germline.

Center for Genomic Medicine, Rigshospitalet, Copenhagen University Hospital
Classification: Likely benign. Last evaluated: 2025-03-04. Review status: criteria provided, single submitter. Criteria: ACMG Guidelines, 2015. Collection method: clinical testing. Allele origin: germline.

All of Us Research Program, National Institutes of Health
Classification: Likely benign for Breast-ovarian cancer, familial, susceptibility to, 1. Last evaluated: 2023-11-20. Review status: criteria provided, single submitter. Criteria: ACMG Guidelines, 2015. Collection method: clinical testing. Allele origin: germline. Inheritance: Autosomal dominant inheritance. Observed: 3 variant alleles, 3 heterozygotes.
Comment: This study involves interpretation of variants in research participants for the purpose of population health screening. Participant phenotype was not available at the time of variant classification. Additional details can be found in publication PMID: 35346344, PMCID: PMC8962531

Blueprint Genetics
Classification: Likely benign. Last evaluated: 2023-06-19. Review status: criteria provided, single submitter. Criteria: ACMG Guidelines, 2015. Collection method: clinical testing. Allele origin: germline.

Women's Health and Genetics/Laboratory Corporation of America, LabCorp
Classification: Likely benign. Last evaluated: 2022-08-08. Review status: criteria provided, single submitter. Criteria: LabCorp Variant Classification Summary - May 2015. Collection method: clinical testing. Allele origin: germline.
Comment: Variant summary: BRCA1 c.671-18_671-16delATT results in the deletion of three non-conserved nucleotides located close to a canonical splice site and therefore could affect mRNA splicing, leading to a significantly altered protein sequence. 4/4 computational tools predict no significant impact on normal splicing. However, these predictions have yet to be confirmed by functional studies. The variant allele was found at a frequency of 4.5e-06 in 219956 control chromosomes (gnomAD). The available data on variant occurrences in the general population are insufficient to allow any conclusion about variant significance. c.671-18_671-16delATT has been reported in the literature in individuals affected with Hereditary Breast And Ovarian Cancer Syndrome, co-occurring with pathogenic variants (BRCA1 c.4964_4982del19, p.Ser1655TyrfsX16; BARD1 c.772delA, p.Ile258X; BIC database, Judkins_2005, Turchiano_2022). These data provide evidence for a benign role. To our knowledge, no experimental evidence demonstrating an impact on protein function has been reported. Four clinical diagnostic laboratories have submitted clinical-significance assessments for this variant to ClinVar after 2014 without evidence for independent evaluation. Three laboratories classified the variant as likely benign and one classified it as VUS. Based on the evidence outlined above, the variant was classified as likely benign.

Mendelics
Classification: Likely benign for Breast-ovarian cancer, familial, susceptibility to, 1. Last evaluated: 2019-05-28. Review status: criteria provided, single submitter. Criteria: Mendelics Assertion Criteria 2017. Collection method: clinical testing. Allele origin: unknown.

Color Diagnostics, LLC DBA Color Health
Classification: Likely benign for Hereditary cancer-predisposing syndrome. Last evaluated: 2016-08-29. Review status: criteria provided, single submitter. Criteria: ACMG Guidelines, 2015. Collection method: clinical testing. Allele origin: germline.

Counsyl
Classification: Uncertain significance for Breast-ovarian cancer, familial, susceptibility to, 1. Last evaluated: 2016-06-24. Review status: no assertion criteria provided. Collection method: clinical testing. Allele origin: unknown. Not counted in ClinVar's aggregate classification.

Research Molecular Genetics Laboratory, Women's College Hospital, University of Toronto
Classification: Uncertain significance. Last evaluated: 2014-01-31. Review status: no assertion criteria provided. Collection method: research. Allele origin: germline. Affected: yes. Study: The Canadian Open Genetics Repository (COGR). Not counted in ClinVar's aggregate classification.

Breast Cancer Information Core (BIC) (BRCA1)
Classification: Uncertain significance for Breast-ovarian cancer, familial 1. Review status: no assertion criteria provided. Collection method: clinical testing. Allele origin: germline. Affected: yes. Observed: 1 variant allele. Not counted in ClinVar's aggregate classification.

Literature cited by the submitters: PubMed 16267036 (cited by Women's Health and Genetics/Laboratory Corporation of America, LabCorp and Counsyl); PubMed 35053526 (cited by Women's Health and Genetics/Laboratory Corporation of America, LabCorp).

NM_007294.4(BRCA1):c.671-18_671-16del

Gene: BRCA1 (BRCA1 DNA repair associated; minus strand). Cytogenetic location: 17q21.31.
Variant type: Deletion.
Coding change: c.671-18_671-16del on transcript NM_007294.4 (MANE Select); 18 bases into the intron before coding-DNA position 671 through 16 bases into the intron before coding-DNA position 671, 3 bases deleted (ATT; older notation c.671-18_671-16delATT).
Molecular consequence: intron variant.
Genome position (GRCh38, 1-based): chr17:43,094,876-43,094,878, AAT deleted on the plus strand (ATT on the coding strand, the reverse complement: BRCA1 is on the minus strand); deleting any 3 consecutive bases within chr17:43,094,876-43,094,880 gives the same sequence; the c. name uses the placement nearest the transcript's 3' end. VCF-style (leftmost placement, unchanged base first): chr17-43094875-AAAT-A. GRCh37 (hg19) VCF-style: chr17-41246892-AAAT-A.
Other names: IVS10-18del3; c.671-18_671-16delATT (NM_007294.4, NM_007294.3); c.530-18_530-16del (NM_001408458.1, NM_001408469.1, NM_001408453.1 and 43 more transcripts); c.-218-18_-218-16del (NM_001407967.1, NM_001407966.1); c.290-18_290-16del (NM_001407959.1, NM_001408510.1, NM_001407963.1 and 1 more transcripts); c.404-18_404-16del (NM_001407931.1, NM_001407932.1, NM_001408503.1 and 5 more transcripts); c.527-18_527-16del (NM_001407747.1, NM_001408470.1, NM_001407848.1 and 26 more transcripts); c.287-18_287-16del (NM_001407962.1); and 22 more.
Identifiers: ClinVar variation 125907 (VCV000125907.27), dbSNP rs398122354, ClinGen allele CA057804.